The following is an entry in ClinVar:

NM_022168.4(IFIH1):c.1641+1G>A

Gene: IFIH1 (interferon induced with helicase C domain 1; minus strand). Cytogenetic location: 2q24.2.
Variant type: single nucleotide variant.
Coding change: c.1641+1G>A on transcript NM_022168.4 (MANE Select); the canonical splice donor site of the intron after coding-DNA position 1641, G replaced by A.
Molecular consequence: splice donor variant.
Genome position (GRCh38, 1-based): chr2:162,279,995, C>T on the plus strand (G>A on the coding strand, the complement: IFIH1 is on the minus strand). VCF-style: chr2-162279995-C-T. GRCh37 (hg19) VCF-style: chr2-163136505-C-T.
Identifiers: ClinVar variation 1968653 (VCV001968653.5), dbSNP rs35337543, ClinGen allele CA1934469.
Genomic context (GRCh38, chr2:162,279,995, plus strand): 5'-TGCCATCTTTCTACTGAATGTAGTATTGTCAATCAATAGATATAAAACATTAAGCCCATA[C>T]TTCTCTGGTTGCATCTGCAATGGCAAACTTCTTGCATGGCTCCTGTATTTGGTTTTTCAG-3'

ClinVar aggregate classification (germline): Uncertain significance (1 of 4 stars; one submission).

Conditions:
Singleton-Merten syndrome 1 (SGMRT1). Also called: Widened medullary cavities of bone, aortic calcification, abnormal dentition, and muscular weakness; Syndrome of widened medullary cavities of the metacarpals and phalanges, aortic calcification and abnormal dentition. Identifiers: Orphanet 85191, MedGen C4225427, MONDO:0024535, OMIM 182250.
Aicardi-Goutieres syndrome 7 (AGS7). Identifiers: Orphanet 51, MedGen C3888244, MONDO:0014367, OMIM 615846.

gnomAD v4.1: 5 of 1,511,812 alleles (0.00033%); highest among the groups gnomAD compares: Non-Finnish European, 0.00028%; no homozygotes.

Submission:

Labcorp Genetics (formerly Invitae), Labcorp
Classification: Uncertain significance for Aicardi-Goutieres syndrome 7; Singleton-Merten syndrome 1. Last evaluated: 2025-05-05. Review status: criteria provided, single submitter. Criteria: Invitae Variant Classification Sherloc (09022015). Collection method: clinical testing. Allele origin: germline.
Comment: This sequence change affects a donor splice site in intron 8 of the IFIH1 gene. It is expected to disrupt RNA splicing. Variants that disrupt the donor or acceptor splice site typically lead to a loss of protein function (PMID: 16199547), however the current clinical and genetic evidence is not sufficient to establish whether loss-of-function variants in IFIH1 cause disease. This variant is present in population databases (rs35337543, gnomAD 0.002%). This variant has not been reported in the literature in individuals affected with IFIH1-related conditions. ClinVar contains an entry for this variant (Variation ID: 1968653). Algorithms developed to predict the effect of sequence changes on RNA splicing suggest that this variant may disrupt the consensus splice site. In summary, the available evidence is currently insufficient to determine the role of this variant in disease. Therefore, it has been classified as a Variant of Uncertain Significance.

Literature cited by the submitters: PubMed 16199547.